The following is an entry in ClinVar:

NM_005045.4(RELN):c.8041C>G (p.Gln2681Glu)

Gene: RELN (reelin; minus strand). Cytogenetic location: 7q22.1.
Variant type: single nucleotide variant.
Coding change: c.8041C>G on transcript NM_005045.4 (MANE Select); coding-DNA position 8041, C replaced by G.
Protein change: p.Gln2681Glu; replaces glutamine 2681 with glutamic acid.
Molecular consequence: missense variant.
Genome position (GRCh38, 1-based): chr7:103,515,263, G>C on the plus strand (C>G on the coding strand, the complement: RELN is on the minus strand). VCF-style: chr7-103515263-G-C. GRCh37 (hg19) VCF-style: chr7-103155710-G-C.
Other names: c.8041C>G, p.Gln2681Glu (NM_173054.3); short protein forms Q2681E.
Identifiers: ClinVar variation 4782862 (VCV004782862.1).
Genomic context (GRCh38, chr7:103,515,263, plus strand): 5'-TAAACATGTCAAAGGCGATCCTCCCGACAGGGCCGGCATCTGCAGGGGAGCGCTCATGCT[G>C]GGGTACTGGGGCGCTGCTGAAGGTGTCCAGCATAACGGTCCTTTGGTCAGCAGAGCCTGA-3'
Protein context (NP_005036.2, residues 2671-2691): LDTFSSAPVP[Gln2681Glu]HERSPADAGP

ClinVar aggregate classification (germline): Uncertain significance (1 of 4 stars; one submission).

Conditions:
Norman-Roberts syndrome (LIS2). Also called: Lissencephaly 2 (Norman-Roberts type). Identifiers: Orphanet 89844, MedGen C0796089, MONDO:0009760, OMIM 257320.
Familial temporal lobe epilepsy 7. Identifiers: Orphanet 101046, MedGen C4225327, MONDO:0014639, OMIM 616436.

Submission:

Labcorp Genetics (formerly Invitae), Labcorp
Classification: Uncertain significance for Familial temporal lobe epilepsy 7; Norman-Roberts syndrome. Last evaluated: 2025-09-27. Review status: criteria provided, single submitter. Criteria: Invitae Variant Classification Sherloc (09022015). Collection method: clinical testing. Allele origin: germline.
Comment: This sequence change replaces glutamine, which is neutral and polar, with glutamic acid, which is acidic and polar, at codon 2681 of the RELN protein (p.Gln2681Glu). This variant is not present in population databases (gnomAD no frequency). This variant has not been reported in the literature in individuals affected with RELN-related conditions. Invitae Evidence Modeling of protein sequence and biophysical properties (such as structural, functional, and spatial information, amino acid conservation, physicochemical variation, residue mobility, and thermodynamic stability) indicates that this missense variant is not expected to disrupt RELN protein function with a negative predictive value of 80%. In summary, the available evidence is currently insufficient to determine the role of this variant in disease. Therefore, it has been classified as a Variant of Uncertain Significance.